The following is an entry in ClinVar:

ClinVar aggregate classification (germline): Uncertain significance (1 of 4 stars; one submission).

Conditions:
Nephronophthisis. Also called: Juvenile Nephronophthisis. Identifiers: Orphanet 655, MedGen C0687120, MONDO:0019005, HP:0000090.

Allele frequency attached by ClinVar (database versions not stated): gnomAD exomes below 0.00001.
gnomAD v4.1: 3 of 1,614,142 alleles (0.00019%); highest among the groups gnomAD compares: Non-Finnish European, 0.00025%; no homozygotes.

Submission:

Labcorp Genetics (formerly Invitae), Labcorp
Classification: Uncertain significance for Nephronophthisis. Last evaluated: 2021-07-14. Review status: criteria provided, single submitter. Criteria: Invitae Variant Classification Sherloc (09022015). Collection method: clinical testing. Allele origin: germline.
Comment: This sequence change replaces asparagine with aspartic acid at codon 218 of the NPHP3 protein (p.Asn218Asp). The asparagine residue is highly conserved and there is a small physicochemical difference between asparagine and aspartic acid. This variant is not present in population databases (ExAC no frequency). This variant has not been reported in the literature in individuals affected with NPHP3-related conditions. Algorithms developed to predict the effect of missense changes on protein structure and function are either unavailable or do not agree on the potential impact of this missense change (SIFT: "Deleterious"; PolyPhen-2: "Benign"; Align-GVGD: "Class C0"). In summary, the available evidence is currently insufficient to determine the role of this variant in disease. Therefore, it has been classified as a Variant of Uncertain Significance.

NM_153240.5(NPHP3):c.652A>G (p.Asn218Asp)

Genes: NPHP3 (nephrocystin 3; minus strand), NPHP3-ACAD11 (NPHP3-ACAD11 readthrough (NMD candidate); minus strand). Cytogenetic location: 3q22.1.
Variant type: single nucleotide variant.
Coding change: c.652A>G on transcript NM_153240.5 (MANE Select); coding-DNA position 652, A replaced by G.
Protein change: p.Asn218Asp; replaces asparagine 218 with aspartic acid.
Molecular consequence: missense variant. On other transcripts: non-coding transcript variant (1).
Genome position (GRCh38, 1-based): chr3:132,719,012, T>C on the plus strand (A>G on the coding strand, the complement: NPHP3 is on the minus strand). VCF-style: chr3-132719012-T-C. GRCh37 (hg19) VCF-style: chr3-132437856-T-C.
Other names: short protein forms N218D.
Identifiers: ClinVar variation 1505425 (VCV001505425.8), dbSNP rs2108002751, ClinGen allele CA354586865.
Genomic context (GRCh38, chr3:132,719,012, plus strand): 5'-GCCATGTTGAAAGCTCAAAATATAAATAGGATATACACTTACCAGTGACATCTGTACAGT[T>C]GTCATCTGAATCAGACTCCCCAGGATCAAATACTTGGATACCCTGAGCCTGTAGCCTCTG-3'
Protein context (NP_694972.3, residues 208-228): FDPGESDSDD[Asn218Asp]CTDVTAAGTQ